The following is an entry in ClinVar:

ClinVar aggregate classification (germline): Pathogenic. Review status: criteria provided, multiple submitters, no conflicts (2 of 4 stars). 2 submissions from 2 submitters: Pathogenic (2). Last evaluated 2022-11-03.

Submissions (2):

GeneDx
Classification: Pathogenic. Last evaluated: 2022-11-03. Review status: criteria provided, single submitter. Criteria: GeneDx Variant Classification Process June 2021. Collection method: clinical testing. Allele origin: germline. Affected: yes.
Comment: Nonsense variant predicted to result in protein truncation in a gene for which loss of function is a known mechanism of disease; Not observed at significant frequency in large population cohorts (gnomAD); This variant is associated with the following publications: (PMID: 21643010)

Clinical Genetics and Genomics, Karolinska University Hospital
Classification: Pathogenic. Last evaluated: 2019-04-24. Review status: criteria provided, single submitter. Criteria: ACMG Guidelines, 2015. Collection method: clinical testing. Allele origin: germline. Affected: yes. Observed: 1 variant allele.

NM_000038.6(APC):c.2006T>G (p.Leu669Ter)

Gene: APC (APC regulator of WNT signaling pathway; plus strand). Cytogenetic location: 5q22.2.
Variant type: single nucleotide variant.
Coding change: c.2006T>G on transcript NM_000038.6 (MANE Select); coding-DNA position 2006, T replaced by G.
Protein change: p.Leu669Ter; replaces leucine 669 with a stop codon.
Molecular consequence: nonsense.
Genome position (GRCh38, 1-based): chr5:112,837,600, T>G. VCF-style: chr5-112837600-T-G. GRCh37 (hg19) VCF-style: chr5-112173297-T-G.
Other names: c.2006T>G, p.Leu669Ter (NM_001127510.3, NM_001354895.2); c.1952T>G, p.Leu651Ter (NM_001127511.3); c.2060T>G, p.Leu687Ter (NM_001354896.2); c.2036T>G, p.Leu679Ter (NM_001354897.2); c.1931T>G, p.Leu644Ter (NM_001354898.2); c.1922T>G, p.Leu641Ter (NM_001354899.2); c.1883T>G, p.Leu628Ter (NM_001354900.2); c.1829T>G, p.Leu610Ter (NM_001354901.2); and 5 more; short protein forms L386*, L509*, L543*, L568*, L578*, L610*, L628*, L641*.
Identifiers: ClinVar variation 988399 (VCV000988399.2), dbSNP rs1765088338, ClinGen allele CA16025702.